The following is an entry in ClinVar:

ClinVar aggregate classification (germline): Likely benign. Review status: criteria provided, multiple submitters, no conflicts (2 of 4 stars). 2 submissions from 2 submitters: Likely benign (2). Last evaluated 2026-04-22.

Conditions:
TRRAP-related disorder. Also called: TRRAP-related condition.

Allele frequency attached by ClinVar (database versions not stated): TOPMed below 0.00001; gnomAD 0.00001; ExAC 0.00002.
gnomAD v4.1: 44 of 1,613,948 alleles (0.0027%); highest among the groups gnomAD compares: Middle Eastern, 0.033%; no homozygotes.

Submissions (2):

PreventionGenetics, part of Exact Sciences
Classification: Likely benign for TRRAP-related condition. Last evaluated: 2026-04-22. Review status: criteria provided, single submitter. Criteria: ACMG Guidelines, 2015. Collection method: clinical testing. Allele origin: germline.
Comment: This variant is classified as likely benign based on ACMG/AMP sequence variant interpretation guidelines (Richards et al. 2015 PMID: 25741868, with internal and published modifications).

Labcorp Genetics (formerly Invitae), Labcorp
Classification: Likely benign. Last evaluated: 2024-03-26. Review status: criteria provided, single submitter. Criteria: Invitae Variant Classification Sherloc (09022015). Collection method: clinical testing. Allele origin: germline.

NM_001375524.1(TRRAP):c.9723G>A (p.Ser3241=)

Gene: TRRAP (transformation/transcription domain associated protein; plus strand). Cytogenetic location: 7q22.1.
Variant type: single nucleotide variant.
Coding change: c.9723G>A on transcript NM_001375524.1 (MANE Select); coding-DNA position 9723, G replaced by A.
Protein change: p.Ser3241=; no amino-acid change (serine 3241 retained).
Molecular consequence: synonymous variant.
Genome position (GRCh38, 1-based): chr7:98,990,586, G>A. VCF-style: chr7-98990586-G-A. GRCh37 (hg19) VCF-style: chr7-98588209-G-A.
Other names: c.9648G>A (NM_003496.3); c.9735G>A, p.Ser3245= (NM_001244580.2); c.9648G>A, p.Ser3216= (NM_003496.4).
Identifiers: ClinVar variation 2419514 (VCV002419514.8), dbSNP rs557915803, ClinGen allele CA4361781.